The following is an entry in ClinVar:

NM_001166108.2(PALLD):c.1965-12607T>C

Gene: PALLD (palladin, cytoskeletal associated protein; plus strand). Cytogenetic location: 4q32.3.
Variant type: single nucleotide variant.
Coding change: c.1965-12607T>C on transcript NM_001166108.2 (MANE Select); 12607 bases into the intron before coding-DNA position 1965, T replaced by C.
Molecular consequence: intron variant. On other transcripts: missense variant (1).
Genome position (GRCh38, 1-based): chr4:168,878,315, T>C. VCF-style: chr4-168878315-T-C. GRCh37 (hg19) VCF-style: chr4-169799466-T-C.
Other names: c.424T>C, p.Phe142Leu (NM_001166110.2); c.1965-12607T>C (NM_016081.4); c.819-12607T>C (NM_001166109.2); c.-157-12607T>C (NM_001367570.1, NM_001367568.1, NM_001367567.1 and 1 more transcripts); short protein forms F142L.
Identifiers: ClinVar variation 3927552 (VCV003927552.1).
Genomic context (GRCh38, chr4:168,878,315, plus strand): 5'-CAGGCGTCCCACTGCTCGTCGCCTGCCACCCGCTTCGGCCACAGCCAGACGCCCGCGGCC[T>C]TCCTCAGCGCTCTGCTGCCCTCGCAGCCGCCGCCGGCGGCCGTCAACGCCCTGGGGCTGC-3'

ClinVar aggregate classification (germline): Uncertain significance (1 of 4 stars; one submission).

gnomAD v4.1: 1 of 1,526,754 alleles (0.000065%); highest among the groups gnomAD compares: South Asian, 0.0012%; no homozygotes.

Submission:

Ambry Genetics
Classification: Uncertain significance. Last evaluated: 2025-05-18. Review status: criteria provided, single submitter. Criteria: Ambry Variant Classification Scheme 2023. Collection method: clinical testing. Allele origin: germline.
Comment: The p.F142L variant (also known as c.424T>C), located in coding exon 1 of the PALLD gene, results from a T to C substitution at nucleotide position 424. The phenylalanine at codon 142 is replaced by leucine, an amino acid with highly similar properties. This amino acid position is conserved. In addition, this alteration is predicted to be tolerated by in silico analysis. Based on the available evidence, the clinical significance of this variant remains unclear.